The following is an entry in ClinVar:

ClinVar aggregate classification (germline): Benign. Review status: criteria provided, multiple submitters, no conflicts (2 of 4 stars). 2 submissions from 2 submitters: Benign (2). Last evaluated 2026-01-29.

Conditions:
Adult-onset autosomal dominant demyelinating leukodystrophy. Identifiers: Orphanet 99027, MedGen C1868512, MONDO:0008215.

Allele frequency attached by ClinVar (database versions not stated): ExAC 0.00289; gnomAD 0.00909; ESP Exome Variant Server 0.00937; 1000 Genomes Project 0.00958; TOPMed 0.01000; 1000 Genomes Project 30x 0.01093.
gnomAD v4.1: 2,661 of 1,506,136 alleles (0.18%); highest among the groups gnomAD compares: African/African-American, 3.3%; 48 homozygotes.

Submissions (2):

Labcorp Genetics (formerly Invitae), Labcorp
Classification: Benign. Last evaluated: 2026-01-29. Review status: criteria provided, single submitter. Criteria: Invitae Variant Classification Sherloc (09022015). Collection method: clinical testing. Allele origin: germline.

Illumina Laboratory Services, Illumina
Classification: Benign for Leukodystrophy, demyelinating, adult-onset, autosomal dominant, typical. Last evaluated: 2018-01-13. Review status: criteria provided, single submitter. Criteria: ICSL Variant Classification Criteria 13 December 2019. Collection method: clinical testing. Allele origin: germline.
Comment: This variant was observed in the ICSL laboratory as part of a predisposition screen in an ostensibly healthy population. It had not been previously curated by ICSL or reported in the Human Gene Mutation Database (HGMD: prior to June 1st, 2018), and was therefore a candidate for classification through an automated scoring system. Utilizing variant allele frequency, disease prevalence and penetrance estimates, and inheritance mode, an automated score was calculated to assess if this variant is too frequent to cause the disease. Based on the score and internal cut-off values, a variant classified as benign is not then subjected to further curation. The score for this variant resulted in a classification of benign for this disease.

NM_005573.4(LMNB1):c.279C>T (p.Leu93=)

Gene: LMNB1 (lamin B1; plus strand). Cytogenetic location: 5q23.2.
Variant type: single nucleotide variant.
Coding change: c.279C>T on transcript NM_005573.4 (MANE Select); coding-DNA position 279, C replaced by T.
Protein change: p.Leu93=; no amino-acid change (leucine 93 retained).
Molecular consequence: synonymous variant. On other transcripts: non-coding transcript variant (1), intron variant (1).
Genome position (GRCh38, 1-based): chr5:126,777,787, C>T. VCF-style: chr5-126777787-C-T. GRCh37 (hg19) VCF-style: chr5-126113479-C-T.
Other names: c.-272+543C>T (NM_001198557.2).
Identifiers: ClinVar variation 350612 (VCV000350612.15), dbSNP rs74362780, ClinGen allele CA3390432.